The following is an entry in ClinVar:

NM_053025.4(MYLK):c.118C>T (p.Arg40Trp)

Gene: MYLK (myosin light chain kinase; minus strand). Cytogenetic location: 3q21.1.
Variant type: single nucleotide variant.
Coding change: c.118C>T on transcript NM_053025.4 (MANE Select); coding-DNA position 118, C replaced by T.
Protein change: p.Arg40Trp; replaces arginine 40 with tryptophan.
Molecular consequence: missense variant. On other transcripts: 5 prime UTR variant (1).
Genome position (GRCh38, 1-based): chr3:123,793,724, G>A on the plus strand (C>T on the coding strand, the complement: MYLK is on the minus strand). VCF-style: chr3-123793724-G-A. GRCh37 (hg19) VCF-style: chr3-123512571-G-A.
Other names: c.-203C>T (NM_001321309.2); c.118C>T, p.Arg40Trp (NM_053026.4, NM_053027.4, NM_053028.4); short protein forms R40W.
Identifiers: ClinVar variation 2151762 (VCV002151762.4), dbSNP rs749436978, ClinGen allele CA066794.
Genomic context (GRCh38, chr3:123,793,724, plus strand): 5'-CCACACTTCTTACCCGCCCTTCGAACTTGGCGGTGGCTCCTTCTTTGATGCAGAGGTTCC[G>A]AGGGGGCAAAATGAAAGCAGGGGCCTCTGTCAGGGGCATGGAGTCAACTCTTGAGGGATC-3'
Protein context (NP_444253.3, residues 30-50): TEAPAFILPP[Arg40Trp]NLCIKEGATA

ClinVar aggregate classification (germline): Uncertain significance (1 of 4 stars; one submission).

Conditions:
Aortic aneurysm, familial thoracic 7 (AAT7). Also called: AORTIC DISSECTION, FAMILIAL, WITH OR WITHOUT AORTIC ANEURYSM. Identifiers: MedGen C3151077, MONDO:0013418, OMIM 613780.

Allele frequency attached by ClinVar (database versions not stated): ExAC 0.00001; gnomAD 0.00001; TOPMed 0.00001.
gnomAD v4.1: 15 of 1,614,034 alleles (0.00093%); highest among the groups gnomAD compares: African/African-American, 0.0067%; no homozygotes.

Submission:

Labcorp Genetics (formerly Invitae), Labcorp
Classification: Uncertain significance for Aortic aneurysm, familial thoracic 7. Last evaluated: 2022-08-28. Review status: criteria provided, single submitter. Criteria: Invitae Variant Classification Sherloc (09022015). Collection method: clinical testing. Allele origin: germline.
Comment: This sequence change replaces arginine, which is basic and polar, with tryptophan, which is neutral and slightly polar, at codon 40 of the MYLK protein (p.Arg40Trp). This variant is present in population databases (rs749436978, gnomAD 0.005%). This variant has not been reported in the literature in individuals affected with MYLK-related conditions. Advanced modeling of protein sequence and biophysical properties (such as structural, functional, and spatial information, amino acid conservation, physicochemical variation, residue mobility, and thermodynamic stability) performed at Invitae indicates that this missense variant is not expected to disrupt MYLK protein function. In summary, the available evidence is currently insufficient to determine the role of this variant in disease. Therefore, it has been classified as a Variant of Uncertain Significance.